The following is an entry in ClinVar:

NM_058216.3(RAD51C):c.424G>T (p.Val142Leu)

Gene: RAD51C (RAD51 paralog C; plus strand). Cytogenetic location: 17q22.
Variant type: single nucleotide variant.
Coding change: c.424G>T on transcript NM_058216.3 (MANE Select); coding-DNA position 424, G replaced by T.
Protein change: p.Val142Leu; replaces valine 142 with leucine.
Molecular consequence: missense variant.
Genome position (GRCh38, 1-based): chr17:58,696,712, G>T. VCF-style: chr17-58696712-G-T. GRCh37 (hg19) VCF-style: chr17-56774073-G-T.
Other names: c.424G>T (NM_058216.2); short protein forms V142L.
Identifiers: ClinVar variation 3942363 (VCV003942363.1).

ClinVar aggregate classification (germline): Uncertain significance. Review status: criteria provided, multiple submitters, no conflicts (2 of 4 stars). 2 submissions from 2 submitters: Uncertain significance (2). Last evaluated 2025-05-01.

Conditions:
Hereditary cancer-predisposing syndrome. Also called: Tumor predisposition; Hereditary neoplastic syndrome; Hereditary Cancer Syndrome; Neoplastic Syndromes, Hereditary. Identifiers: Orphanet 140162, MedGen C0027672, MeSH D009386, MONDO:0015356.
Familial ovarian cancer. Identifiers: MedGen C5679802, MONDO:0016248.

Submissions (2):

Ambry Genetics
Classification: Uncertain significance for Hereditary cancer-predisposing syndrome. Last evaluated: 2025-05-01. Review status: criteria provided, single submitter. Criteria: Ambry Variant Classification Scheme 2023. Collection method: clinical testing. Allele origin: germline.
Comment: The p.V142L variant (also known as c.424G>T), located in coding exon 3 of the RAD51C gene, results from a G to T substitution at nucleotide position 424. The valine at codon 142 is replaced by leucine, an amino acid with highly similar properties. This variant was identified in a cohort of 882 Chinese individuals with a personal and/or family history of breast or ovarian cancers who underwent multi-gene panel testing for HBOC risk assessment (Shao D et al. Cancer Sci, 2020 Feb;111:647-657). This amino acid position is well conserved in available vertebrate species. In addition, this alteration is predicted to be tolerated by in silico analysis. Based on the available evidence, the clinical significance of this variant remains unclear.

Molecular Pathology, Peter Maccallum Cancer Centre
Classification: Uncertain significance for Familial ovarian cancer. Last evaluated: 2025-01-22. Review status: criteria provided, single submitter. Criteria: ACMG Guidelines, 2015. Collection method: clinical testing. Allele origin: germline. Inheritance: Autosomal dominant inheritance.

Literature cited by the submitters: PubMed 31742824 (cited by Ambry Genetics).